The following is an entry in ClinVar:

ClinVar aggregate classification (germline): Likely benign (1 of 4 stars; one submission).

Allele frequency attached by ClinVar (database versions not stated): 1000 Genomes Project 0.00080; ExAC 0.00111; TOPMed 0.00120; ESP Exome Variant Server 0.00123; 1000 Genomes Project 30x 0.00125; gnomAD 0.00177; gnomAD exomes 0.00182.
gnomAD v4.1: 2,941 of 1,613,532 alleles (0.18%); highest among the groups gnomAD compares: Non-Finnish European, 0.23%; 7 homozygotes.

Submission:

CeGaT Center for Human Genetics Tuebingen
Classification: Likely benign. Last evaluated: 2022-05-01. Review status: criteria provided, single submitter. Criteria: CeGaT Center For Human Genetics Tuebingen Variant Classification Criteria Version 2. Collection method: clinical testing. Allele origin: germline. Affected: yes. Observed: 1 variant allele.
Comment: SND1: PP2, BP4, BS2

NM_014390.4(SND1):c.1843G>A (p.Gly615Ser)

Gene: SND1 (staphylococcal nuclease and tudor domain containing 1; plus strand). Cytogenetic location: 7q32.1.
Variant type: single nucleotide variant.
Coding change: c.1843G>A on transcript NM_014390.4 (MANE Select); coding-DNA position 1843, G replaced by A.
Protein change: p.Gly615Ser; replaces glycine 615 with serine.
Molecular consequence: missense variant.
Genome position (GRCh38, 1-based): chr7:128,074,565, G>A. VCF-style: chr7-128074565-G-A. GRCh37 (hg19) VCF-style: chr7-127714617-G-A.
Other names: short protein forms G615S.
Identifiers: ClinVar variation 2657979 (VCV002657979.24), dbSNP rs144956035, ClinGen allele CA4469255.